The following is an entry in ClinVar:

NM_006446.5(SLCO1B1):c.*167T>C

Gene: SLCO1B1 (solute carrier organic anion transporter family member 1B1; plus strand). Cytogenetic location: 12p12.1.
Variant type: single nucleotide variant.
Coding change: c.*167T>C on transcript NM_006446.5 (MANE Select); 167 bases downstream of the stop codon, T replaced by C.
Molecular consequence: 3 prime UTR variant.
Genome position (GRCh38, 1-based): chr12:21,239,356, T>C. VCF-style: chr12-21239356-T-C. GRCh37 (hg19) VCF-style: chr12-21392290-T-C.
Other names: c.*167T>C (LRG_1022t1).
Identifiers: ClinVar variation 307963 (VCV000307963.8), dbSNP rs4149085, ClinGen allele CA10641574.
Genomic context (GRCh38, chr12:21,239,356, plus strand): 5'-ACATCTTTTATGGTGGAAGTATAAATAAGCCTATGAACTTATAATAAAACAAACTGTAGG[T>C]AGAAAAAATGAGAGTACTCATTGTTACATTATAGCTACATATTTGTGGTTAAGGTTAGAC-3'

ClinVar aggregate classification (germline): Benign. Review status: criteria provided, multiple submitters, no conflicts (2 of 4 stars). 3 submissions from 3 submitters: Benign (3). Last evaluated 2021-05-16.

Conditions:
Rotor syndrome (HBLRR). Also called: HYPERBILIRUBINEMIA, ROTOR TYPE, DIGENIC; HYPERBILIRUBINEMIA, ROTOR TYPE. Identifiers: Orphanet 3111, MedGen C0220991, MONDO:0009379, OMIM 237450.

Allele frequency attached by ClinVar (database versions not stated): gnomAD 0.01882 and 0.02315; gnomAD exomes 0.03245; 1000 Genomes Project 30x 0.07589; 1000 Genomes Project 0.08187; TOPMed 0.01850.
gnomAD v4.1: 19,027 of 628,412 alleles (3%); highest among the groups gnomAD compares: East Asian, 30%; 2,013 homozygotes.

Submissions (3):

GeneDx
Classification: Benign. Last evaluated: 2021-05-16. Review status: criteria provided, single submitter. Criteria: GeneDx Variant Classification Process June 2021. Collection method: clinical testing. Allele origin: germline. Affected: yes.

Illumina Laboratory Services, Illumina
Classification: Benign for Rotor syndrome. Last evaluated: 2018-01-13. Review status: criteria provided, single submitter. Criteria: ICSL Variant Classification Criteria 13 December 2019. Collection method: clinical testing. Allele origin: germline.
Comment: This variant was observed in the ICSL laboratory as part of a predisposition screen in an ostensibly healthy population. It had not been previously curated by ICSL or reported in the Human Gene Mutation Database (HGMD: prior to June 1st, 2018), and was therefore a candidate for classification through an automated scoring system. Utilizing variant allele frequency, disease prevalence and penetrance estimates, and inheritance mode, an automated score was calculated to assess if this variant is too frequent to cause the disease. Based on the score and internal cut-off values, a variant classified as benign is not then subjected to further curation. The score for this variant resulted in a classification of benign for this disease.

Breakthrough Genomics
Classification: Benign. Review status: criteria provided, single submitter. Criteria: ACMG Guidelines, 2015. Collection method: not provided. Allele origin: germline. Inheritance: Autosomal recessive inheritance. Affected: yes.